The following is an entry in ClinVar:

NC_000005.10:g.(?_147824661)_(147831792_?)del

Gene: SPINK1 (serine peptidase inhibitor Kazal type 1; minus strand). Cytogenetic location: 5q32.
Variant type: Deletion.
Identifiers: ClinVar variation 830855 (VCV000830855.5).

ClinVar aggregate classification (germline): Pathogenic (1 of 4 stars; one submission).

Conditions:
Hereditary pancreatitis (PCTT). Also called: Hereditary chronic pancreatitis; PRSS1-Related Hereditary Pancreatitis. Identifiers: Orphanet 676, MedGen C0238339, MONDO:0008185, OMIM 167800.

Submission:

Labcorp Genetics (formerly Invitae), Labcorp
Classification: Pathogenic for Hereditary pancreatitis. Last evaluated: 2022-01-11. Review status: criteria provided, single submitter. Criteria: Invitae Variant Classification Sherloc (09022015). Collection method: clinical testing. Allele origin: germline.
Comment: A gross deletion of the genomic region encompassing the full coding sequence of the SPINK1 gene has been identified. Loss-of-function variants in SPINK1 are known to be pathogenic (PMID: 17681820, 22572128). The boundaries of this event are unknown as they extend beyond the assayed region for this gene and therefore may encompass additional genes. A similar copy number variant has been observed in individual(s) with chronic pancreatitis (PMID: 17681820). For these reasons, this variant has been classified as Pathogenic.

Literature cited by the submitters: PubMed 17681820; PubMed 22572128.